The following is an entry in ClinVar:

ClinVar aggregate classification (germline): Uncertain significance (1 of 4 stars; one submission).

Conditions:
NRP1-related disorder. Also called: NRP1-related condition.

Allele frequency attached by ClinVar (database versions not stated): TOPMed 0.00002; ExAC 0.00003; gnomAD 0.00005; gnomAD exomes 0.00011.
gnomAD v4.1: 168 of 1,613,984 alleles (0.01%); highest among the groups gnomAD compares: Middle Eastern, 0.016%; no homozygotes.

Submission:

PreventionGenetics, part of Exact Sciences
Classification: Uncertain significance for NRP1-related condition. Last evaluated: 2026-08-20. Review status: criteria provided, single submitter. Criteria: ACMG Guidelines, 2015. Collection method: clinical testing. Allele origin: germline.
Comment: The NRP1 c.2222G>A variant is predicted to result in the amino acid substitution p.Arg741His. This variant has been reported in an individual with idiopathic hypogonadotropic hypogonadism (IHH); this individual also carries variants in another IHH gene (D/II-1, Kotan et al. 2019. PubMed ID: 30467832). This variant is reported in 0.0096% of alleles in individuals of Ashkenazi Jewish descent in gnomAD. At this time, the clinical significance of this variant is uncertain due to the absence of conclusive functional and genetic evidence.

NM_003873.7(NRP1):c.2222G>A (p.Arg741His)

Gene: NRP1 (neuropilin 1; minus strand). Cytogenetic location: 10p11.22.
Variant type: single nucleotide variant.
Coding change: c.2222G>A on transcript NM_003873.7 (MANE Select); coding-DNA position 2222, G replaced by A.
Protein change: p.Arg741His; replaces arginine 741 with histidine.
Molecular consequence: missense variant. On other transcripts: non-coding transcript variant (1).
Genome position (GRCh38, 1-based): chr10:33,186,329, C>T on the plus strand (G>A on the coding strand, the complement: NRP1 is on the minus strand). VCF-style: chr10-33186329-C-T. GRCh37 (hg19) VCF-style: chr10-33475257-C-T.
Other names: c.2204G>A, p.Arg735His (NM_001244972.2); c.2201G>A, p.Arg734His (NM_001244973.2); c.2222G>A, p.Arg741His (NM_001330068.2); short protein forms R734H, R735H, R741H.
Identifiers: ClinVar variation 2635692 (VCV002635692.3), dbSNP rs554872876, ClinGen allele CA5466233.